The following is an entry in ClinVar:

ClinVar aggregate classification (germline): Uncertain significance (1 of 4 stars; one submission).

Conditions:
Inborn genetic diseases. Identifiers: MedGen C0950123, MeSH D030342.

gnomAD v4.1: 5 of 1,613,810 alleles (0.00031%); highest among the groups gnomAD compares: Non-Finnish European, 0.00042%; no homozygotes.

Submission:

Ambry Genetics
Classification: Uncertain significance for Inborn genetic diseases. Last evaluated: 2025-09-05. Review status: criteria provided, single submitter. Criteria: Ambry Variant Classification Scheme 2023. Collection method: clinical testing. Allele origin: germline.
Comment: The p.R348H variant (also known as c.1043G>A), located in coding exon 10 of the DDX41 gene, results from a G to A substitution at nucleotide position 1043. The arginine at codon 348 is replaced by histidine, an amino acid with highly similar properties. This amino acid position is highly conserved in available vertebrate species. In addition, the in silico prediction for this alteration is inconclusive. Based on the available evidence, the clinical significance of this variant remains unclear.

NM_016222.4(DDX41):c.1043G>A (p.Arg348His)

Gene: DDX41 (DEAD-box helicase 41; minus strand). Cytogenetic location: 5q35.3.
Variant type: single nucleotide variant.
Coding change: c.1043G>A on transcript NM_016222.4 (MANE Select); coding-DNA position 1043, G replaced by A.
Protein change: p.Arg348His; replaces arginine 348 with histidine.
Molecular consequence: missense variant.
Genome position (GRCh38, 1-based): chr5:177,513,740, C>T on the plus strand (G>A on the coding strand, the complement: DDX41 is on the minus strand). VCF-style: chr5-177513740-C-T. GRCh37 (hg19) VCF-style: chr5-176940741-C-T.
Other names: c.665G>A, p.Arg222His (NM_001321732.2, NM_001321830.2); short protein forms R222H, R348H.
Identifiers: ClinVar variation 4238812 (VCV004238812.1).